The following is an entry in ClinVar:

NM_001146079.2(CLDN14):c.462C>A (p.Ser154Arg)

Genes: CLDN14 (claudin 14; minus strand), CLDN14-AS1 (CLDN14 antisense RNA 1; plus strand). Cytogenetic location: 21q22.13.
Variant type: single nucleotide variant.
Coding change: c.462C>A on transcript NM_001146079.2 (MANE Select); coding-DNA position 462, C replaced by A.
Protein change: p.Ser154Arg; replaces serine 154 with arginine.
Molecular consequence: missense variant.
Genome position (GRCh38, 1-based): chr21:36,461,234, G>T on the plus strand (C>A on the coding strand, the complement: CLDN14 is on the minus strand). VCF-style: chr21-36461234-G-T. GRCh37 (hg19) VCF-style: chr21-37833532-G-T.
Other names: c.462C>A, p.Ser154Arg (NM_001146077.2, NM_001146078.3, NM_012130.4 and 1 more transcripts); short protein forms S154R.
Identifiers: ClinVar variation 1810054 (VCV001810054.1), dbSNP rs771208295, ClinGen allele CA409881488.

ClinVar aggregate classification (germline): Uncertain significance (1 of 4 stars; one submission).

Submission:

GeneDx
Classification: Uncertain significance. Last evaluated: 2022-06-29. Review status: criteria provided, single submitter. Criteria: GeneDx Variant Classification Process June 2021. Collection method: clinical testing. Allele origin: germline. Affected: yes.
Comment: Not observed at significant frequency in large population cohorts (gnomAD); In silico analysis supports that this missense variant does not alter protein structure/function; Has not been previously published as pathogenic or benign to our knowledge